The following is an entry in ClinVar:

NM_182920.2(ADAMTS9):c.1635C>T (p.Asn545=)

Gene: ADAMTS9 (ADAM metallopeptidase with thrombospondin type 1 motif 9; minus strand). Cytogenetic location: 3p14.1.
Variant type: single nucleotide variant.
Coding change: c.1635C>T on transcript NM_182920.2 (MANE Select); coding-DNA position 1635, C replaced by T.
Protein change: p.Asn545=; no amino-acid change (asparagine 545 retained).
Molecular consequence: synonymous variant.
Genome position (GRCh38, 1-based): chr3:64,648,015, G>A on the plus strand (C>T on the coding strand, the complement: ADAMTS9 is on the minus strand). VCF-style: chr3-64648015-G-A. GRCh37 (hg19) VCF-style: chr3-64633691-G-A.
Other names: c.1551C>T, p.Asn517= (NM_001318781.2); c.1635C>T (NM_182920.1).
Identifiers: ClinVar variation 2043740 (VCV002043740.6), dbSNP rs142303242, ClinGen allele CA2481463.

ClinVar aggregate classification (germline): Benign. Review status: criteria provided, single submitter (1 of 4 stars). 2 submissions from 2 submitters: Benign (1). 1 of the submissions does not count toward it. Last evaluated 2025-12-08.

Conditions:
ADAMTS9-related disorder. Also called: ADAMTS9-related condition.

Allele frequency attached by ClinVar (database versions not stated): 1000 Genomes Project 0.00040; 1000 Genomes Project 30x 0.00062; TOPMed 0.00071; ESP Exome Variant Server 0.00077; gnomAD 0.00090; ExAC 0.00109; gnomAD exomes 0.00128.
gnomAD v4.1: 1,967 of 1,613,178 alleles (0.12%); highest among the groups gnomAD compares: Non-Finnish European, 0.15%; no homozygotes.

Submissions (2):

Labcorp Genetics (formerly Invitae), Labcorp
Classification: Benign. Last evaluated: 2025-12-08. Review status: criteria provided, single submitter. Criteria: Invitae Variant Classification Sherloc (09022015). Collection method: clinical testing. Allele origin: germline.

PreventionGenetics, part of Exact Sciences
Classification: Likely benign for ADAMTS9-related condition. Last evaluated: 2020-01-31. Review status: no assertion criteria provided. Collection method: clinical testing. Allele origin: germline. Not counted in ClinVar's aggregate classification.
Comment: This variant is classified as likely benign based on ACMG/AMP sequence variant interpretation guidelines (Richards et al. 2015 PMID: 25741868, with internal and published modifications).